The following is an entry in ClinVar:

ClinVar aggregate classification (germline): Uncertain significance (1 of 4 stars; one submission).

Conditions:
Exostoses, multiple, type 2 (EXT2). Also called: Hereditary Multiple Osteochondromatosis, Type II; EXOSTOSES, MULTIPLE, TYPE II. Identifiers: Orphanet 321, MedGen C1851413, MONDO:0007586, OMIM 133701.

Allele frequency attached by ClinVar (database versions not stated): gnomAD exomes below 0.00001.
gnomAD v4.1: 1 of 1,613,888 alleles (0.000062%); highest among the groups gnomAD compares: Non-Finnish European, 0.000085%; no homozygotes.

Submission:

Labcorp Genetics (formerly Invitae), Labcorp
Classification: Uncertain significance for Exostoses, multiple, type 2. Last evaluated: 2023-10-10. Review status: criteria provided, single submitter. Criteria: Invitae Variant Classification Sherloc (09022015). Collection method: clinical testing. Allele origin: germline.
Comment: This sequence change affects an acceptor splice site in intron 13 of the EXT2 gene. While this variant is not anticipated to result in nonsense mediated decay, it likely alters RNA splicing and results in a disrupted protein product. This variant is not present in population databases (gnomAD no frequency). This variant has not been reported in the literature in individuals affected with EXT2-related conditions. Variants that disrupt the consensus splice site are a relatively common cause of aberrant splicing (PMID: 17576681, 9536098). Algorithms developed to predict the effect of sequence changes on RNA splicing suggest that this variant may disrupt the consensus splice site. In summary, the available evidence is currently insufficient to determine the role of this variant in disease. Therefore, it has been classified as a Variant of Uncertain Significance.

Literature cited by the submitters: PubMed 17576681; PubMed 9536098.

NM_207122.2(EXT2):c.2019-2A>G

Gene: EXT2 (exostosin glycosyltransferase 2; plus strand). Cytogenetic location: 11p11.2.
Variant type: single nucleotide variant.
Coding change: c.2019-2A>G on transcript NM_207122.2 (MANE Select); the canonical splice acceptor site of the intron before coding-DNA position 2019, A replaced by G.
Molecular consequence: splice acceptor variant.
Genome position (GRCh38, 1-based): chr11:44,244,147, A>G. VCF-style: chr11-44244147-A-G. GRCh37 (hg19) VCF-style: chr11-44265697-A-G.
Other names: c.2019-2A>G (NM_001389630.1, NM_001389628.1); c.2049-2A>G (NM_001178083.3); c.2118-2A>G (NM_000401.3).
Identifiers: ClinVar variation 2728258 (VCV002728258.3), dbSNP rs2539803245, ClinGen allele CA380178432.